The following is an entry in ClinVar:

NM_005228.5(EGFR):c.882G>A (p.Lys294=)

Gene: EGFR (epidermal growth factor receptor; plus strand). Cytogenetic location: 7p11.2.
Variant type: single nucleotide variant.
Coding change: c.882G>A on transcript NM_005228.5 (MANE Select); coding-DNA position 882, G replaced by A.
Protein change: p.Lys294=; no amino-acid change (lysine 294 retained).
Molecular consequence: synonymous variant. On other transcripts: intron variant (1).
Genome position (GRCh38, 1-based): chr7:55,154,145, G>A. VCF-style: chr7-55154145-G-A. GRCh37 (hg19) VCF-style: chr7-55221838-G-A.
Other names: c.747G>A, p.Lys249= (NM_001346897.2, NM_001346899.2); c.882G>A, p.Lys294= (NM_001346898.2, NM_201282.2, NM_201283.2 and 1 more transcripts); c.723G>A, p.Lys241= (NM_001346900.2); c.89-1685G>A (NM_001346941.2); c.882G>A (NM_005228.3).
Identifiers: ClinVar variation 1617258 (VCV001617258.16), dbSNP rs1344245726, ClinGen allele CA454966328.

ClinVar aggregate classification (germline): Likely benign. Review status: criteria provided, multiple submitters, no conflicts (2 of 4 stars). 3 submissions from 3 submitters: Likely benign (3). Last evaluated 2026-01-18.

Conditions:
EGFR-related lung cancer (EGFR). Identifiers: MedGen CN130014.
Hereditary cancer-predisposing syndrome. Also called: Neoplastic Syndromes, Hereditary; Hereditary neoplastic syndrome; Tumor predisposition; Hereditary Cancer Syndrome. Identifiers: Orphanet 140162, MedGen C0027672, MeSH D009386, MONDO:0015356.

Allele frequency attached by ClinVar (database versions not stated): gnomAD exomes below 0.00001; gnomAD 0.00001.
gnomAD v4.1: 2 of 1,614,150 alleles (0.00012%); highest among the groups gnomAD compares: Non-Finnish European, 0.00017%; no homozygotes.

Submissions (3):

Ambry Genetics
Classification: Likely benign for Hereditary cancer-predisposing syndrome. Last evaluated: 2026-01-18. Review status: criteria provided, single submitter. Criteria: Ambry Variant Classification Scheme 2023. Collection method: clinical testing. Allele origin: germline.

CeGaT Center for Human Genetics Tuebingen
Classification: Likely benign. Last evaluated: 2025-08-01. Review status: criteria provided, single submitter. Criteria: CeGaT Center For Human Genetics Tuebingen Variant Classification Criteria Version 2. Collection method: clinical testing. Allele origin: germline. Affected: yes. Observed: 1 variant allele.
Comment: EGFR: BP4, BP7

Labcorp Genetics (formerly Invitae), Labcorp
Classification: Likely benign for EGFR-related lung cancer. Last evaluated: 2024-11-18. Review status: criteria provided, single submitter. Criteria: Invitae Variant Classification Sherloc (09022015). Collection method: clinical testing. Allele origin: germline.